The following is an entry in ClinVar:

ClinVar aggregate classification (germline): Uncertain significance (1 of 4 stars; one submission).

Allele frequency attached by ClinVar (database versions not stated): gnomAD 0.00001; TOPMed 0.00001.
gnomAD v4.1: 4 of 1,613,994 alleles (0.00025%); highest among the groups gnomAD compares: Non-Finnish European, 0.00034%; no homozygotes.

Submission:

Labcorp Genetics (formerly Invitae), Labcorp
Classification: Uncertain significance. Last evaluated: 2022-09-27. Review status: criteria provided, single submitter. Criteria: Invitae Variant Classification Sherloc (09022015). Collection method: clinical testing. Allele origin: germline.
Comment: In summary, the available evidence is currently insufficient to determine the role of this variant in disease. Therefore, it has been classified as a Variant of Uncertain Significance. Algorithms developed to predict the effect of missense changes on protein structure and function are either unavailable or do not agree on the potential impact of this missense change (SIFT: "Deleterious"; PolyPhen-2: "Benign"; Align-GVGD: "Class C0"). ClinVar contains an entry for this variant (Variation ID: 1045495). This variant has not been reported in the literature in individuals affected with CEP19-related conditions. This variant is present in population databases (rs145982014, gnomAD 0.0009%). This sequence change replaces arginine, which is basic and polar, with proline, which is neutral and non-polar, at codon 99 of the CEP19 protein (p.Arg99Pro).

NM_032898.5(CEP19):c.284G>C (p.Arg95Pro)

Gene: CEP19 (centrosomal protein 19; minus strand). Cytogenetic location: 3q29.
Variant type: single nucleotide variant.
Coding change: c.284G>C on transcript NM_032898.5 (MANE Select); coding-DNA position 284, G replaced by C.
Protein change: p.Arg95Pro; replaces arginine 95 with proline.
Molecular consequence: missense variant.
Genome position (GRCh38, 1-based): chr3:196,707,759, C>G on the plus strand (G>C on the coding strand, the complement: CEP19 is on the minus strand). VCF-style: chr3-196707759-C-G. GRCh37 (hg19) VCF-style: chr3-196434630-C-G.
Other names: c.179G>C, p.Arg60Pro (NM_001379468.1); c.284G>C, p.Arg95Pro (NM_001379469.1, NM_001379470.1); short protein forms R60P, R95P.
Identifiers: ClinVar variation 1045495 (VCV001045495.5), dbSNP rs145982014, ClinGen allele CA2782108.